The following is an entry in ClinVar:

NM_153006.3(NAGS):c.611T>C (p.Val204Ala)

Gene: NAGS (N-acetylglutamate synthase; plus strand). Cytogenetic location: 17q21.31.
Variant type: single nucleotide variant.
Coding change: c.611T>C on transcript NM_153006.3 (MANE Select); coding-DNA position 611, T replaced by C.
Protein change: p.Val204Ala; replaces valine 204 with alanine.
Molecular consequence: missense variant.
Genome position (GRCh38, 1-based): chr17:44,005,821, T>C. VCF-style: chr17-44005821-T-C. GRCh37 (hg19) VCF-style: chr17-42083189-T-C.
Other names: c.611T>C (NM_153006.2); short protein forms V204A.
Identifiers: ClinVar variation 2167771 (VCV002167771.2), dbSNP rs770432108, ClinGen allele CA8595175.

ClinVar aggregate classification (germline): Uncertain significance. Review status: criteria provided, multiple submitters, no conflicts (2 of 4 stars). 2 submissions from 2 submitters: Uncertain significance (2). Last evaluated 2025-11-05.

Conditions:
Inborn genetic diseases. Identifiers: MedGen C0950123, MeSH D030342.
Hyperammonemia, type III (NAGSD). Also called: Hyperammonemia due to N-acetylglutamate synthase deficiency. Identifiers: Orphanet 927, MedGen C0268543, MONDO:0009377, OMIM 237310.

Allele frequency attached by ClinVar (database versions not stated): TOPMed below 0.00001; gnomAD exomes 0.00001; ExAC 0.00006.

Submissions (2):

Ambry Genetics
Classification: Uncertain significance for Inborn genetic diseases. Last evaluated: 2025-11-05. Review status: criteria provided, single submitter. Criteria: Ambry Variant Classification Scheme 2023. Collection method: clinical testing. Allele origin: germline.

Labcorp Genetics (formerly Invitae), Labcorp
Classification: Uncertain significance for Hyperammonemia, type III. Last evaluated: 2021-08-31. Review status: criteria provided, single submitter. Criteria: Invitae Variant Classification Sherloc (09022015). Collection method: clinical testing. Allele origin: germline.
Comment: This sequence change replaces valine with alanine at codon 204 of the NAGS protein (p.Val204Ala). The valine residue is moderately conserved and there is a small physicochemical difference between valine and alanine. This variant is present in population databases (rs770432108, ExAC 0.02%). This variant has not been reported in the literature in individuals affected with NAGS-related conditions. Algorithms developed to predict the effect of missense changes on protein structure and function output the following: SIFT: "Tolerated"; PolyPhen-2: "Benign"; Align-GVGD: "Class C0". The alanine amino acid residue is found in multiple mammalian species, which suggests that this missense change does not adversely affect protein function. In summary, the available evidence is currently insufficient to determine the role of this variant in disease. Therefore, it has been classified as a Variant of Uncertain Significance.